The following is an entry in ClinVar:

ClinVar aggregate classification (germline): Likely pathogenic. Review status: criteria provided, multiple submitters, no conflicts (2 of 4 stars). 2 submissions from 2 submitters: Likely pathogenic (2). Last evaluated 2025-07-14.

Conditions:
Familial thoracic aortic aneurysm and aortic dissection (TAAD). Also called: Thoracic aortic aneurysms and dissections. Identifiers: Orphanet 91387, MedGen C4707243, MONDO:0019625.
Ehlers-Danlos syndrome, type 4 (EDSVASC). Also called: Ehlers-Danlos syndrome vascular type; Ehlers Danlos syndrome, ecchymotic type; Ehlers Danlos syndrome, arterial type; Ehlers Danlos syndrome, Sack-Barabas type; Ehlers-Danlos Syndrome Type IV. Identifiers: Orphanet 286, MedGen C0268338, MONDO:0017314, OMIM 130050.

Submissions (2):

Color Diagnostics, LLC DBA Color Health
Classification: Likely pathogenic for Familial thoracic aortic aneurysm and aortic dissection. Last evaluated: 2025-07-14. Review status: criteria provided, single submitter. Criteria: ACMG Guidelines, 2015. Collection method: clinical testing. Allele origin: germline.
Comment: This variant changes one of the conserved glycine residues within the Gly-Xaa-Yaa repeat motifs of the triple helical domain of the COL3A1 protein. Although functional studies have not been reported for this variant, conserved glycine residues within the Gly-Xaa-Yaa repeats are required for the structural stability of fibrillar collagens (PMID: 7695699, 8218237, 19344236) and missense variants occurring at these glycine residues have been associated with disease (PMID: 24922459, 25758994). Computational prediction suggests that this variant may have a deleterious impact on protein structure and function. To our knowledge, functional studies have not been reported for this variant. This variant has been reported to occur de novo in an individual affected with vascular Ehlers Danlos syndrome (PMID: 36719990). This variant has not been identified in the general population by the Genome Aggregation Database (gnomAD). Based on the available evidence, this variant is classified as Likely Pathogenic.

Labcorp Genetics (formerly Invitae), Labcorp
Classification: Likely pathogenic for Ehlers-Danlos syndrome, type 4. Last evaluated: 2024-08-11. Review status: criteria provided, single submitter. Criteria: Invitae Variant Classification Sherloc (09022015). Collection method: clinical testing. Allele origin: germline.
Comment: This sequence change replaces glycine, which is neutral and non-polar, with valine, which is neutral and non-polar, at codon 381 of the COL3A1 protein (p.Gly381Val). This variant is not present in population databases (gnomAD no frequency). This variant has not been reported in the literature in individuals affected with COL3A1-related conditions. Advanced modeling of protein sequence and biophysical properties (such as structural, functional, and spatial information, amino acid conservation, physicochemical variation, residue mobility, and thermodynamic stability) performed at Invitae indicates that this missense variant is expected to disrupt COL3A1 protein function with a positive predictive value of 95%. This variant disrupts the triple helix domain of COL3A1. Glycine residues within the Gly-Xaa-Yaa repeats of the triple helix domain are required for the structure and stability of fibrillar collagens (PMID: 7695699, 8218237, 19344236). In COL3A1, variants that affect these glycine residues are significantly enriched in individuals with disease (PMID: 24922459, 25758994) compared to the general population (ExAC). In summary, the currently available evidence indicates that the variant is pathogenic, but additional data are needed to prove that conclusively. Therefore, this variant has been classified as Likely Pathogenic.

Literature cited by the submitters: PubMed 7695699 (cited by Color Diagnostics, LLC DBA Color Health and Labcorp Genetics (formerly Invitae), Labcorp); PubMed 8218237 (cited by Color Diagnostics, LLC DBA Color Health and Labcorp Genetics (formerly Invitae), Labcorp); PubMed 19344236 (cited by Color Diagnostics, LLC DBA Color Health and Labcorp Genetics (formerly Invitae), Labcorp); PubMed 24922459 (cited by Color Diagnostics, LLC DBA Color Health and Labcorp Genetics (formerly Invitae), Labcorp); PubMed 25758994 (cited by Color Diagnostics, LLC DBA Color Health and Labcorp Genetics (formerly Invitae), Labcorp); PubMed 36719990 (cited by Color Diagnostics, LLC DBA Color Health).

NM_000090.4(COL3A1):c.1142G>T (p.Gly381Val)

Gene: COL3A1 (collagen type III alpha 1 chain; plus strand). Cytogenetic location: 2q32.2.
Variant type: single nucleotide variant.
Coding change: c.1142G>T on transcript NM_000090.4 (MANE Select); coding-DNA position 1142, G replaced by T.
Protein change: p.Gly381Val; replaces glycine 381 with valine.
Molecular consequence: missense variant.
Genome position (GRCh38, 1-based): chr2:188,993,452, G>T. VCF-style: chr2-188993452-G-T. GRCh37 (hg19) VCF-style: chr2-189858178-G-T.
Other names: short protein forms G381V.
Identifiers: ClinVar variation 3634086 (VCV003634086.3).